The following is an entry in ClinVar:

ClinVar aggregate classification (germline): Uncertain significance (1 of 4 stars; one submission).

Conditions:
Congenital myasthenic syndrome 9. Also called: Myasthenic syndrome, congenital, 9, associated with acetylcholine receptor deficiency. Identifiers: Orphanet 590, MedGen C4225368, MONDO:0014587, OMIM 616325.
Fetal akinesia deformation sequence 1 (FADS1). Also called: Pena-Shokeir syndrome type I; Fetal akinesia sequence. Identifiers: Orphanet 994, MedGen C1276035, MONDO:0100101, OMIM 208150, HP:0001989.

Submission:

Labcorp Genetics (formerly Invitae), Labcorp
Classification: Uncertain significance for Congenital myasthenic syndrome 9; Fetal akinesia deformation sequence 1. Last evaluated: 2022-05-25. Review status: criteria provided, single submitter. Criteria: Invitae Variant Classification Sherloc (09022015). Collection method: clinical testing. Allele origin: germline.
Comment: In summary, the available evidence is currently insufficient to determine the role of this variant in disease. Therefore, it has been classified as a Variant of Uncertain Significance. Advanced modeling of protein sequence and biophysical properties (such as structural, functional, and spatial information, amino acid conservation, physicochemical variation, residue mobility, and thermodynamic stability) performed at Invitae indicates that this missense variant is not expected to disrupt MUSK protein function. This variant has not been reported in the literature in individuals affected with MUSK-related conditions. This variant is not present in population databases (gnomAD no frequency). This sequence change replaces glutamic acid, which is acidic and polar, with aspartic acid, which is acidic and polar, at codon 632 of the MUSK protein (p.Glu632Asp).

NM_005592.4(MUSK):c.1896A>T (p.Glu632Asp)

Gene: MUSK (muscle associated receptor tyrosine kinase; plus strand). Cytogenetic location: 9q31.3.
Variant type: single nucleotide variant.
Coding change: c.1896A>T on transcript NM_005592.4 (MANE Select); coding-DNA position 1896, A replaced by T.
Protein change: p.Glu632Asp; replaces glutamic acid 632 with aspartic acid.
Molecular consequence: missense variant.
Genome position (GRCh38, 1-based): chr9:110,787,807, A>T. VCF-style: chr9-110787807-A-T. GRCh37 (hg19) VCF-style: chr9-113550087-A-T.
Other names: c.1638A>T, p.Glu546Asp (NM_001166280.2); c.1608A>T, p.Glu536Asp (NM_001166281.2); c.636A>T, p.Glu212Asp (NM_001369398.1); short protein forms E536D, E212D, E546D, E632D.
Identifiers: ClinVar variation 1977966 (VCV001977966.5), dbSNP rs2491167351, ClinGen allele CA374476565.